The following is an entry in ClinVar:

ClinVar aggregate classification (germline): Uncertain significance (1 of 4 stars; one submission).

Allele frequency attached by ClinVar (database versions not stated): gnomAD exomes 0.00003 and 0.00010; ExAC 0.00012; 1000 Genomes Project 30x 0.00016; 1000 Genomes Project 0.00020; TOPMed 0.00025; ESP Exome Variant Server 0.00031; gnomAD 0.00033 and 0.00036.
gnomAD v4.1: 94 of 1,614,174 alleles (0.0058%); highest among the groups gnomAD compares: African/African-American, 0.12%; no homozygotes.

Submission:

Labcorp Genetics (formerly Invitae), Labcorp
Classification: Uncertain significance. Last evaluated: 2024-06-21. Review status: criteria provided, single submitter. Criteria: Invitae Variant Classification Sherloc (09022015). Collection method: clinical testing. Allele origin: germline.
Comment: This sequence change replaces asparagine, which is neutral and polar, with threonine, which is neutral and polar, at codon 890 of the ERBIN protein (p.Asn890Thr). This variant is present in population databases (rs137884324, gnomAD 0.1%), and has an allele count higher than expected for a pathogenic variant. This variant has not been reported in the literature in individuals affected with ERBIN-related conditions. An algorithm developed to predict the effect of missense changes on protein structure and function (PolyPhen-2) suggests that this variant is likely to be tolerated. In summary, the available evidence is currently insufficient to determine the role of this variant in disease. Therefore, it has been classified as a Variant of Uncertain Significance.

NM_001253697.2(ERBIN):c.2669A>C (p.Asn890Thr)

Gene: ERBIN (erbb2 interacting protein; plus strand). Cytogenetic location: 5q12.3.
Variant type: single nucleotide variant.
Coding change: c.2669A>C on transcript NM_001253697.2 (MANE Select); coding-DNA position 2669, A replaced by C.
Protein change: p.Asn890Thr; replaces asparagine 890 with threonine.
Molecular consequence: missense variant.
Genome position (GRCh38, 1-based): chr5:66,053,987, A>C. VCF-style: chr5-66053987-A-C. GRCh37 (hg19) VCF-style: chr5-65349815-A-C.
Other names: c.2669A>C, p.Asn890Thr (NM_001006600.3, NM_001253698.2, NM_001253699.2 and 1 more transcripts); c.2657A>C, p.Asn886Thr (NM_001253701.2); short protein forms N886T, N890T.
Identifiers: ClinVar variation 1522635 (VCV001522635.6), dbSNP rs137884324, ClinGen allele CA3286525.